The following is an entry in ClinVar:

NM_001165963.4(SCN1A):c.2849G>A (p.Gly950Glu)

Gene: SCN1A (sodium voltage-gated channel alpha subunit 1; minus strand). Cytogenetic location: 2q24.3.
Variant type: single nucleotide variant.
Coding change: c.2849G>A on transcript NM_001165963.4 (MANE Select); coding-DNA position 2849, G replaced by A.
Protein change: p.Gly950Glu; replaces glycine 950 with glutamic acid.
Molecular consequence: missense variant. On other transcripts: non-coding transcript variant (1).
Genome position (GRCh38, 1-based): chr2:166,037,873, C>T on the plus strand (G>A on the coding strand, the complement: SCN1A is on the minus strand). VCF-style: chr2-166037873-C-T. GRCh37 (hg19) VCF-style: chr2-166894383-C-T.
Other names: c.2765G>A, p.Gly922Glu (NM_001165964.3, NM_001353957.2, NM_001353958.2); c.2849G>A, p.Gly950Glu (NM_001202435.3, NM_001353948.2); c.2816G>A, p.Gly939Glu (NM_001353949.2, NM_001353950.2, NM_001353951.2 and 2 more transcripts); c.2813G>A, p.Gly938Glu (NM_001353954.2, NM_001353955.2); c.2762G>A, p.Gly921Glu (NM_001353960.2); c.407G>A, p.Gly136Glu (NM_001353961.2); short protein forms G939E, G950E, G136E, G922E, G938E, G921E.
Identifiers: ClinVar variation 68524 (VCV000068524.2), dbSNP rs121917972, ClinGen allele CA284913.

ClinVar aggregate classification (germline): Pathogenic. Review status: criteria provided, single submitter (1 of 4 stars). 2 submissions from 2 submitters: Pathogenic (1). 1 of the submissions does not count toward it. Last evaluated 2015-03-30.

Conditions:
Severe myoclonic epilepsy in infancy (DRVT). Also called: SEVERE MYOCLONIC EPILEPSY OF INFANCY; DEVELOPMENTAL AND EPILEPTIC ENCEPHALOPATHY 6A; Severe Myoclonic Epilepsy in Infancy (SMEI); Dravet syndrome; Epileptic encephalopathy, early infantile, 6 (Dravet syndrome). Identifiers: Orphanet 33069, MedGen C0751122, MONDO:0100135, OMIM 607208.

Submissions (2):

GeneDx
Classification: Pathogenic. Last evaluated: 2015-03-30. Review status: criteria provided, single submitter. Criteria: GeneDx Variant Classification (06012015). Collection method: clinical testing. Allele origin: germline. Affected: yes.
Comment: The G950E variant in the SCN1A gene has been reported previously in association with Dravetsyndrome (Harkin et al., 2007; Rodda et al., 2012). The G950E variant was not observed inapproximately 6,500 individuals of European and African American ancestry in the NHLBI ExomeSequencing Project, indicating it is not a common benign variant in these populations. The G950E substitution is a non-conservative amino acid substitution, which occurs at a position that is conserved across species. In addition, another missense variant at this residue (G950R) as well as numerous missense variants in nearby residues (R946C; R946S; R946H; R946P; C949S; C949Y; W952G; W952R; E954K) have been reported in the Human Gene Mutation Database in association with SCN1A-related seizure disorders (Stenson et al., 2014), supporting the functional importance of this region of the protein. We interpret G950E as a pathogenic variant.

UniProtKB/Swiss-Prot
No classification provided. Condition: Severe myoclonic epilepsy in infancy. Review status: no classification provided. Collection method: not provided. Allele origin: unknown. Not counted in ClinVar's aggregate classification.